The following is an entry in ClinVar:

ClinVar aggregate classification (germline): Likely benign. Review status: criteria provided, multiple submitters, no conflicts (2 of 4 stars). 2 submissions from 2 submitters: Likely benign (2). Last evaluated 2025-07-08.

Conditions:
Progressive familial heart block type IB (PFHB1B). Identifiers: Orphanet 871, MedGen C1970298, MONDO:0011474, OMIM 604559.

Allele frequency attached by ClinVar (database versions not stated): ESP Exome Variant Server 0.00008; 1000 Genomes Project 30x 0.00016; 1000 Genomes Project 0.00020; gnomAD exomes 0.00002 and 0.00003; ExAC 0.00003; gnomAD 0.00005.
gnomAD v4.1: 27 of 1,612,780 alleles (0.0017%); highest among the groups gnomAD compares: African/African-American, 0.016%; 2 homozygotes.

Submissions (2):

Labcorp Genetics (formerly Invitae), Labcorp
Classification: Likely benign for Progressive familial heart block type IB. Last evaluated: 2025-07-08. Review status: criteria provided, single submitter. Criteria: Invitae Variant Classification Sherloc (09022015). Collection method: clinical testing. Allele origin: germline.

GeneDx
Classification: Likely benign. Last evaluated: 2018-02-20. Review status: criteria provided, single submitter. Criteria: GeneDx Variant Classification (06012015). Collection method: clinical testing. Allele origin: germline. Affected: yes.
Comment: This variant is considered likely benign or benign based on one or more of the following criteria: it is a conservative change, it occurs at a poorly conserved position in the protein, it is predicted to be benign by multiple in silico algorithms, and/or has population frequency not consistent with disease.

NM_017636.4(TRPM4):c.268-19C>T

Gene: TRPM4 (transient receptor potential cation channel subfamily M member 4; plus strand). Cytogenetic location: 19q13.33.
Variant type: single nucleotide variant.
Coding change: c.268-19C>T on transcript NM_017636.4 (MANE Select); 19 bases into the intron before coding-DNA position 268, C replaced by T.
Molecular consequence: intron variant.
Genome position (GRCh38, 1-based): chr19:49,167,898, C>T. VCF-style: chr19-49167898-C-T. GRCh37 (hg19) VCF-style: chr19-49671155-C-T.
Other names: c.268-19C>T (NM_001195227.2); c.-1105-362C>T (NM_001321282.2); c.268-655C>T (NM_001321281.2); c.-74-362C>T (NM_001321283.2); c.-237-655C>T (NM_001321285.2).
Identifiers: ClinVar variation 515311 (VCV000515311.9), dbSNP rs377765533, ClinGen allele CA9568766.